The following is an entry in ClinVar:

ClinVar aggregate classification (germline): Uncertain significance. Review status: criteria provided, multiple submitters, no conflicts (2 of 4 stars). 4 submissions from 4 submitters: Uncertain significance (4). Last evaluated 2023-04-20.

Conditions:
Autosomal dominant nonsyndromic hearing loss 12. Also called: DEAFNESS, AUTOSOMAL DOMINANT 8. Identifiers: Orphanet 90635, MedGen C1832187, MONDO:0011102, OMIM 601543.
Autosomal recessive nonsyndromic hearing loss 21. Identifiers: Orphanet 90636, MedGen C1863655, MONDO:0011351, OMIM 603629.

Allele frequency attached by ClinVar (database versions not stated): TOPMed below 0.00001; gnomAD 0.00001; gnomAD exomes 0.00002.
gnomAD v4.1: 25 of 1,613,924 alleles (0.0015%); highest among the groups gnomAD compares: Middle Eastern, 0.23%; 1 homozygote.

Submissions (4):

Clinical Genetics Laboratory, Skane University Hospital Lund
Classification: Uncertain significance. Last evaluated: 2023-04-20. Review status: criteria provided, single submitter. Criteria: ACMG Guidelines, 2015. Collection method: clinical testing. Allele origin: germline. Affected: yes.

GeneDx
Classification: Uncertain significance. Last evaluated: 2023-03-14. Review status: criteria provided, single submitter. Criteria: GeneDx Variant Classification Process June 2021. Collection method: clinical testing. Allele origin: germline. Affected: yes.
Comment: Not observed at a significant frequency in large population cohorts (gnomAD); however, it has been identified at GeneDx in multiple individuals reported to be of Qatari background, including one homozygous occurrence, undergoing testing for a variety of indications; In silico analysis supports that this missense variant does not alter protein structure/function; Has not been previously published as pathogenic or benign to our knowledge; This variant is associated with the following publications: (PMID: 9590290, 21520338, 31554319)

Fulgent Genetics
Classification: Uncertain significance for Autosomal dominant nonsyndromic hearing loss 12; Autosomal recessive nonsyndromic hearing loss 21. Last evaluated: 2021-07-15. Review status: criteria provided, single submitter. Criteria: ACMG Guidelines, 2015. Collection method: clinical testing. Allele origin: unknown.

Laboratory for Molecular Medicine, Mass General Brigham Personalized Medicine
Classification: Uncertain significance. Last evaluated: 2017-04-03. Review status: criteria provided, single submitter. Criteria: LMM Criteria. Collection method: clinical testing. Allele origin: germline. Observed: 2 variant alleles.
Comment: This variant was absent from large population studies. Comput ational prediction tools and conservation analysis do not provide strong support for or against an impact to the protein. In summary, the clinical significance of the p.Ala567Thr variant is uncertain.

NM_005422.4(TECTA):c.1699G>A (p.Ala567Thr)

Genes: TECTA (tectorin alpha; plus strand), TBCEL-TECTA (TBCEL-TECTA readthrough; plus strand). Cytogenetic location: 11q23.3.
Variant type: single nucleotide variant.
Coding change: c.1699G>A on transcript NM_005422.4 (MANE Select); coding-DNA position 1699, G replaced by A.
Protein change: p.Ala567Thr; replaces alanine 567 with threonine.
Molecular consequence: missense variant.
Genome position (GRCh38, 1-based): chr11:121,125,797, G>A. VCF-style: chr11-121125797-G-A. GRCh37 (hg19) VCF-style: chr11-120996506-G-A.
Other names: c.2656G>A, p.Ala886Thr (NM_001378761.1); short protein forms A567T, A886T.
Identifiers: ClinVar variation 165351 (VCV000165351.12), dbSNP rs727503457, ClinGen allele CA178087.
Genomic context (GRCh38, chr11:121,125,797, plus strand): 5'-GTGCACAGCTGCGTGTATGACCTGTGCAGTGTGAGGGACAATGGCACGCTCCTCTGCCAA[G>A]CCATCCAGGCCTATGCTCTTGTGTGCCAAGCCCTTGGCATTCCAATTGGAGACTGGCGAA-3'
Protein context (NP_005413.2, residues 557-577): VRDNGTLLCQ[Ala567Thr]IQAYALVCQA